The following is an entry in ClinVar:

ClinVar aggregate classification (germline): Pathogenic (1 of 4 stars; one submission).

Submission:

Labcorp Genetics (formerly Invitae), Labcorp
Classification: Pathogenic. Last evaluated: 2022-07-06. Review status: criteria provided, single submitter. Criteria: Invitae Variant Classification Sherloc (09022015). Collection method: clinical testing. Allele origin: germline.
Comment: For these reasons, this variant has been classified as Pathogenic. This variant has not been reported in the literature in individuals affected with FOXP1-related conditions. This variant is not present in population databases (gnomAD no frequency). This sequence change creates a premature translational stop signal (p.Gln171*) in the FOXP1 gene. It is expected to result in an absent or disrupted protein product. Loss-of-function variants in FOXP1 are known to be pathogenic (PMID: 28735298).

Literature cited by the submitters: PubMed 28735298.

NM_001349338.3(FOXP1):c.511C>T (p.Gln171Ter)

Gene: FOXP1 (forkhead box P1; minus strand). Cytogenetic location: 3p13.
Variant type: single nucleotide variant.
Coding change: c.511C>T on transcript NM_001349338.3 (MANE Select); coding-DNA position 511, C replaced by T.
Protein change: p.Gln171Ter; replaces glutamine 171 with a stop codon.
Molecular consequence: nonsense. On other transcripts: non-coding transcript variant (2).
Genome position (GRCh38, 1-based): chr3:71,047,095, G>A on the plus strand (C>T on the coding strand, the complement: FOXP1 is on the minus strand). VCF-style: chr3-71047095-G-A. GRCh37 (hg19) VCF-style: chr3-71096246-G-A.
Other names: c.511C>T, p.Gln171Ter (NM_001244808.3, NM_001244810.2, NM_001244814.3 and 4 more transcripts); c.283C>T, p.Gln95Ter (NM_001244812.3); c.211C>T, p.Gln71Ter (NM_001244813.3, NM_001244815.2, NM_001349342.3 and 1 more transcripts); c.208C>T, p.Gln70Ter (NM_001349337.2, NM_001349343.3, NM_001349344.3); c.508C>T, p.Gln170Ter (NM_001349341.3); short protein forms Q171*, Q170*, Q71*, Q70*, Q95*.
Identifiers: ClinVar variation 2041806 (VCV002041806.4), dbSNP rs2106977254, ClinGen allele CA353563598.